The following is an entry in ClinVar:

ClinVar aggregate classification (germline): Uncertain significance (1 of 4 stars; one submission).

Allele frequency attached by ClinVar (database versions not stated): gnomAD exomes below 0.00001; TOPMed 0.00001.

Submission:

GeneDx
Classification: Uncertain significance. Last evaluated: 2014-09-15. Review status: criteria provided, single submitter. Criteria: GeneDx Variant Classification (06012015). Collection method: clinical testing. Allele origin: germline. Affected: yes.
Comment: p.Arg33Gln (CGG>CAG): c.98 G>A in exon 1 of the TACO1 gene (NM_016360.3) The R33Q variant has not been published as a mutation, nor has it been reported as a benign polymorphism to our knowledge. The R33Q variant is a semi-conservative amino acid substitution, which may impact secondary protein structure as these residues differ in some properties. This substitution occurs at a position that is conserved within primates. In silico analysis predicts this variant likely does not alter the protein structure/function. Therefore, based on the currently available information, it is unclear whether this variant is a pathogenic mutation or a rare benign variant. The variant is found in MITONUC-MITOP panel(s).

NM_016360.4(TACO1):c.98G>A (p.Arg33Gln)

Gene: TACO1 (translational activator of cytochrome c oxidase I; plus strand). Cytogenetic location: 17q23.3.
Variant type: single nucleotide variant.
Coding change: c.98G>A on transcript NM_016360.4 (MANE Select); coding-DNA position 98, G replaced by A.
Protein change: p.Arg33Gln; replaces arginine 33 with glutamine.
Molecular consequence: missense variant.
Genome position (GRCh38, 1-based): chr17:63,601,181, G>A. VCF-style: chr17-63601181-G-A. GRCh37 (hg19) VCF-style: chr17-61678540-G-A.
Other names: short protein forms R33Q.
Identifiers: ClinVar variation 215248 (VCV000215248.2), dbSNP rs863224231, ClinGen allele CA320728.